The following is an entry in ClinVar:

ClinVar aggregate classification (germline): Likely benign. Review status: criteria provided, multiple submitters, no conflicts (2 of 4 stars). 2 submissions from 2 submitters: Likely benign (2). Last evaluated 2024-11-09.

Conditions:
Ehlers-Danlos syndrome, type 4 (EDSVASC). Also called: Ehlers-Danlos syndrome vascular type; Ehlers Danlos syndrome, ecchymotic type; Ehlers Danlos syndrome, arterial type; Ehlers Danlos syndrome, Sack-Barabas type; Ehlers-Danlos Syndrome Type IV. Identifiers: Orphanet 286, MedGen C0268338, MONDO:0017314, OMIM 130050.
COL3A1-related disorder. Also called: COL3A1-related condition.

Submissions (2):

PreventionGenetics, part of Exact Sciences
Classification: Likely benign for COL3A1-related condition. Last evaluated: 2024-11-09. Review status: criteria provided, single submitter. Criteria: ACMG Guidelines, 2015. Collection method: clinical testing. Allele origin: germline.
Comment: This variant is classified as likely benign based on ACMG/AMP sequence variant interpretation guidelines (Richards et al. 2015 PMID: 25741868, with internal and published modifications).

Labcorp Genetics (formerly Invitae), Labcorp
Classification: Likely benign for Ehlers-Danlos syndrome, type 4. Last evaluated: 2023-08-30. Review status: criteria provided, single submitter. Criteria: Invitae Variant Classification Sherloc (09022015). Collection method: clinical testing. Allele origin: germline.

NM_000090.4(COL3A1):c.2928C>A (p.Val976=)

Gene: COL3A1 (collagen type III alpha 1 chain; plus strand). Cytogenetic location: 2q32.2.
Variant type: single nucleotide variant.
Coding change: c.2928C>A on transcript NM_000090.4 (MANE Select); coding-DNA position 2928, C replaced by A.
Protein change: p.Val976=; no amino-acid change (valine 976 retained).
Molecular consequence: synonymous variant.
Genome position (GRCh38, 1-based): chr2:189,004,361, C>A. VCF-style: chr2-189004361-C-A. GRCh37 (hg19) VCF-style: chr2-189869087-C-A.
Other names: c.2928C>A (NM_000090.3).
Identifiers: ClinVar variation 1111687 (VCV001111687.12), dbSNP rs2153503539, ClinGen allele CA430312299.